The following is an entry in ClinVar:

NM_001371910.2(MAP3K2):c.1699A>G (p.Met567Val)

Gene: MAP3K2 (mitogen-activated protein kinase kinase kinase 2; minus strand). Cytogenetic location: 2q14.3.
Variant type: single nucleotide variant.
Coding change: c.1699A>G on transcript NM_001371910.2 (MANE Select); coding-DNA position 1699, A replaced by G.
Protein change: p.Met567Val; replaces methionine 567 with valine.
Molecular consequence: missense variant.
Genome position (GRCh38, 1-based): chr2:127,307,740, T>C on the plus strand (A>G on the coding strand, the complement: MAP3K2 is on the minus strand). VCF-style: chr2-127307740-T-C. GRCh37 (hg19) VCF-style: chr2-128065316-T-C.
Other names: c.1699A>G, p.Met567Val (NM_001371911.1, NM_006609.5); short protein forms M567V.
Identifiers: ClinVar variation 3346061 (VCV003346061.2).

ClinVar aggregate classification (germline): Uncertain significance (1 of 4 stars; one submission).

Conditions:
MAP3K2-related condition.

Submission:

PreventionGenetics, part of Exact Sciences
Classification: Uncertain significance for MAP3K2-related condition. Last evaluated: 2025-11-12. Review status: criteria provided, single submitter. Criteria: ACMG Guidelines, 2015. Collection method: clinical testing. Allele origin: germline.
Comment: The MAP3K2 c.1699A>G variant is predicted to result in the amino acid substitution p.Met567Val. This variant has been reported de novo in an individual with autism (Supplementary Data 3, Zhou et al. 2022. PubMed ID: 35982159). This variant is reported in 0.0010% of alleles in individuals of European (non-Finnish) descent in gnomAD. At this time, the clinical significance of this variant is uncertain due to the absence of conclusive functional and genetic evidence.